The following is an entry in ClinVar:

ClinVar aggregate classification (germline): Uncertain significance. Review status: criteria provided, multiple submitters, no conflicts (2 of 4 stars). 2 submissions from 2 submitters: Uncertain significance (2). Last evaluated 2025-08-15.

Allele frequency attached by ClinVar (database versions not stated): TOPMed below 0.00001.

Submissions (2):

Ambry Genetics
Classification: Uncertain significance. Last evaluated: 2025-08-15. Review status: criteria provided, single submitter. Criteria: Ambry Variant Classification Scheme 2023. Collection method: clinical testing. Allele origin: germline.
Comment: The p.I59V variant (also known as c.175A>G), located in coding exon 2 of the FAM175A gene, results from an A to G substitution at nucleotide position 175. The isoleucine at codon 59 is replaced by valine, an amino acid with highly similar properties. This amino acid position is conserved. In addition, this alteration is predicted to be tolerated by in silico analysis. Based on the available evidence, the clinical significance of this variant remains unclear.

Labcorp Genetics (formerly Invitae), Labcorp
Classification: Uncertain significance. Last evaluated: 2017-09-07. Review status: criteria provided, single submitter. Criteria: Invitae Variant Classification Sherloc (09022015). Collection method: clinical testing. Allele origin: germline.
Comment: This variant has not been reported in the literature in individuals with FAM175A-related disease. Algorithms developed to predict the effect of missense changes on protein structure and function do not agree on the potential impact of this missense change (SIFT: "Deleterious"; PolyPhen-2: "Benign"; Align-GVGD: "Class C0"). Algorithms developed to predict the effect of sequence changes on RNA splicing suggest that this variant may create or strengthen a splice site, but this prediction has not been confirmed by published transcriptional studies. In summary, the available evidence is currently insufficient to determine the role of this variant in disease. Therefore, it has been classified as a Variant of Uncertain Significance. This variant is not present in population databases (ExAC no frequency). This sequence change replaces isoleucine with valine at codon 59 of the FAM175A protein (p.Ile59Val). The isoleucine residue is highly conserved and there is a small physicochemical difference between isoleucine and valine.

NM_139076.3(ABRAXAS1):c.175A>G (p.Ile59Val)

Gene: ABRAXAS1 (abraxas 1, BRCA1 A complex subunit; minus strand). Cytogenetic location: 4q21.23.
Variant type: single nucleotide variant.
Coding change: c.175A>G on transcript NM_139076.3 (MANE Select); coding-DNA position 175, A replaced by G.
Protein change: p.Ile59Val; replaces isoleucine 59 with valine.
Molecular consequence: missense variant. On other transcripts: 5 prime UTR variant (1).
Genome position (GRCh38, 1-based): chr4:83,482,157, T>C on the plus strand (A>G on the coding strand, the complement: ABRAXAS1 is on the minus strand). VCF-style: chr4-83482157-T-C. GRCh37 (hg19) VCF-style: chr4-84403310-T-C.
Other names: c.175A>G (NM_139076.2); c.-86A>G (NM_001345962.2); short protein forms I59V.
Identifiers: ClinVar variation 1045457 (VCV001045457.9), dbSNP rs1428512699, ClinGen allele CA357263161.